The following is an entry in ClinVar:

ClinVar aggregate classification (germline): Likely pathogenic (1 of 4 stars; one submission).

gnomAD v4.1: 1 of 1,554,150 alleles (0.000064%); no homozygotes.

Submission:

Labcorp Genetics (formerly Invitae), Labcorp
Classification: Likely pathogenic. Last evaluated: 2024-04-08. Review status: criteria provided, single submitter. Criteria: Invitae Variant Classification Sherloc (09022015). Collection method: clinical testing. Allele origin: germline.
Comment: This sequence change affects a donor splice site in intron 1 of the HELLS gene. It is expected to disrupt RNA splicing. Variants that disrupt the donor or acceptor splice site typically lead to a loss of protein function (PMID: 16199547), and loss-of-function variants in HELLS are known to be pathogenic (PMID: 26216346). This variant is not present in population databases (gnomAD no frequency). This variant has not been reported in the literature in individuals affected with HELLS-related conditions. Algorithms developed to predict the effect of sequence changes on RNA splicing suggest that this variant may disrupt the consensus splice site. In summary, the currently available evidence indicates that the variant is pathogenic, but additional data are needed to prove that conclusively. Therefore, this variant has been classified as Likely Pathogenic.

Literature cited by the submitters: PubMed 16199547; PubMed 26216346.

NM_018063.5(HELLS):c.31+2T>C

Gene: HELLS (helicase, lymphoid specific; plus strand). Cytogenetic location: 10q23.33.
Variant type: single nucleotide variant.
Coding change: c.31+2T>C on transcript NM_018063.5 (MANE Select); the canonical splice donor site of the intron after coding-DNA position 31, T replaced by C.
Molecular consequence: splice donor variant. On other transcripts: intron variant (1).
Genome position (GRCh38, 1-based): chr10:94,545,954, T>C. VCF-style: chr10-94545954-T-C. GRCh37 (hg19) VCF-style: chr10-96305711-T-C.
Other names: c.-386+2T>C (NM_001289071.2); c.31+2T>C (NM_001289067.2, NM_001289070.2, NM_001289069.2 and 1 more transcripts); c.-991+2T>C (NM_001289075.2); c.-972+2T>C (NM_001289074.2); c.-319+2T>C (NM_001289073.2); c.-18+47T>C (NM_001289068.2).
Identifiers: ClinVar variation 3649216 (VCV003649216.2).
Genomic context (GRCh38, chr10:94,545,954, plus strand): 5'-GACCCGGTTCCCGGGTGAGTGTCCAGGCATGCCAGCGGAACGGCCCGCGGGCAGCGGCGG[T>C]GAGTGAGGAAAACCTTTTGGGCGCGGGTGGCAGCCTGCGGGGCTGAGGTGGGCAAGCATG-3'